The following is an entry in ClinVar:

NM_170699.3(GPBAR1):c.975C>A (p.Val325=)

Gene: GPBAR1 (G protein-coupled bile acid receptor 1; plus strand). Cytogenetic location: 2q35.
Variant type: single nucleotide variant.
Coding change: c.975C>A on transcript NM_170699.3 (MANE Select); coding-DNA position 975, C replaced by A.
Protein change: p.Val325=; no amino-acid change (valine 325 retained).
Molecular consequence: synonymous variant.
Genome position (GRCh38, 1-based): chr2:218,263,699, C>A. VCF-style: chr2-218263699-C-A. GRCh37 (hg19) VCF-style: chr2-219128422-C-A.
Other names: c.975C>A, p.Val325= (NM_001077191.2, NM_001077194.2, NM_001321950.2); c.975C>A (NM_001321950.1).
Identifiers: ClinVar variation 502022 (VCV000502022.7), dbSNP rs202200326, ClinGen allele CA2102740.

ClinVar aggregate classification (germline): Uncertain significance. Review status: criteria provided, single submitter (1 of 4 stars). 2 submissions from 2 submitters: Uncertain significance (1). 1 of the submissions does not count toward it. Last evaluated 2017-05-18.

Conditions:
GPBAR1-related disorder. Also called: GPBAR1-related condition.

Allele frequency attached by ClinVar (database versions not stated): TOPMed 0.00017; 1000 Genomes Project 30x 0.00016; ESP Exome Variant Server 0.00008.

Submissions (2):

Eurofins Ntd Llc (ga)
Classification: Uncertain significance. Last evaluated: 2017-05-18. Review status: criteria provided, single submitter. Criteria: EGL Classification Definitions 2015. Collection method: clinical testing. Allele origin: germline. Observed: 1 variant allele, 1 heterozygote.

PreventionGenetics, part of Exact Sciences
Classification: Likely benign for GPBAR1-related condition. Last evaluated: 2024-01-11. Review status: no assertion criteria provided. Collection method: clinical testing. Allele origin: germline. Not counted in ClinVar's aggregate classification.
Comment: This variant is classified as likely benign based on ACMG/AMP sequence variant interpretation guidelines (Richards et al. 2015 PMID: 25741868, with internal and published modifications).